The following is an entry in ClinVar:

ClinVar aggregate classification (germline): Uncertain significance (1 of 4 stars; one submission).

Allele frequency attached by ClinVar (database versions not stated): gnomAD exomes below 0.00001.
gnomAD v4.1: 1 of 1,211,495 alleles (0.000083%); highest among the groups gnomAD compares: East Asian, 0.003%; no homozygotes.

Submission:

Greenwood Genetic Center Diagnostic Laboratories, Greenwood Genetic Center
Classification: Uncertain significance. Last evaluated: 2022-07-12. Review status: criteria provided, single submitter. Criteria: ACMG Guidelines, 2015. Collection method: clinical testing. Allele origin: germline. Affected: yes.
Comment: PM2

NM_001257291.2(SLC9A7):c.1418G>A (p.Arg473Lys)

Gene: SLC9A7 (solute carrier family 9 member A7; minus strand). Cytogenetic location: Xp11.3.
Variant type: single nucleotide variant.
Coding change: c.1418G>A on transcript NM_001257291.2 (MANE Select); coding-DNA position 1418, G replaced by A.
Protein change: p.Arg473Lys; replaces arginine 473 with lysine.
Molecular consequence: missense variant.
Genome position (GRCh38, 1-based): chrX:46,648,730, C>T on the plus strand (G>A on the coding strand, the complement: SLC9A7 is on the minus strand). VCF-style: chrX-46648730-C-T. GRCh37 (hg19) VCF-style: chrX-46508165-C-T.
Other names: c.1415G>A, p.Arg472Lys (NM_032591.3); short protein forms R472K, R473K.
Identifiers: ClinVar variation 1710380 (VCV001710380.3), dbSNP rs2519474841, ClinGen allele CA413035215.
Genomic context (GRCh38, chrX:46,648,730, plus strand): 5'-ACTTACGCCTTTTTACCTGAAAACATCATCATGTGTTGAAAATTCCAGCCAATCTTATGC[C>T]TTCTGCCCAAGTTGAGGAAGAAGGAGAGCGGGTAGATGTGCGCGGCTCTGCCCAGGAAGA-3'
Protein context (NP_001244220.1, residues 463-483): PLSFFLNLGR[Arg473Lys]HKIGWNFQHM